The following is an entry in ClinVar:

NM_001082538.3(TCTN1):c.624+275A>G

Gene: TCTN1 (tectonic family member 1; plus strand). Cytogenetic location: 12q24.11.
Variant type: single nucleotide variant.
Coding change: c.624+275A>G on transcript NM_001082538.3 (MANE Select); 275 bases into the intron after coding-DNA position 624, A replaced by G.
Molecular consequence: intron variant. On other transcripts: 3 prime UTR variant (1).
Genome position (GRCh38, 1-based): chr12:110,629,193, A>G. VCF-style: chr12-110629193-A-G. GRCh37 (hg19) VCF-style: chr12-111066998-A-G.
Other names: c.*161A>G (NM_001319682.3); c.456+275A>G (NM_001173975.3); c.444+275A>G (NM_001173976.2); c.90+275A>G (NM_001319681.2); c.624+275A>G (NM_024549.6, NM_001082537.3, NM_001319680.2).
Identifiers: ClinVar variation 674287 (VCV000674287.2), dbSNP rs187051501, ClinGen allele CA243558762.

ClinVar aggregate classification (germline): Likely benign. Review status: criteria provided, multiple submitters, no conflicts (2 of 4 stars). 2 submissions from 2 submitters: Likely benign (2). Last evaluated 2018-06-19.

Allele frequency attached by ClinVar (database versions not stated): 1000 Genomes Project 0.00339; 1000 Genomes Project 30x 0.00359; TOPMed 0.00626; gnomAD 0.00716 and 0.00720; gnomAD exomes 0.00812.
gnomAD v4.1: 4,005 of 517,774 alleles (0.77%); highest among the groups gnomAD compares: Non-Finnish European, 0.92%; 15 homozygotes.

Submissions (2):

GeneDx
Classification: Likely benign. Last evaluated: 2018-06-19. Review status: criteria provided, single submitter. Criteria: GeneDx Variant Classification (06012015). Collection method: clinical testing. Allele origin: germline. Affected: yes.
Comment: This variant is considered likely benign or benign based on one or more of the following criteria: it is a conservative change, it occurs at a poorly conserved position in the protein, it is predicted to be benign by multiple in silico algorithms, and/or has population frequency not consistent with disease.

Breakthrough Genomics
Classification: Likely benign. Review status: criteria provided, single submitter. Criteria: ACMG Guidelines, 2015. Collection method: not provided. Allele origin: germline. Inheritance: Autosomal recessive inheritance. Affected: yes.